The following is an entry in ClinVar:

NM_006014.5(LAGE3):c.50G>A (p.Gly17Asp)

Genes: LAGE3 (L antigen family member 3; minus strand), LOC130068876 (ATAC-STARR-seq lymphoblastoid silent region 21109; plus strand). Cytogenetic location: Xq28.
Variant type: single nucleotide variant.
Coding change: c.50G>A on transcript NM_006014.5 (MANE Select); coding-DNA position 50, G replaced by A.
Protein change: p.Gly17Asp; replaces glycine 17 with aspartic acid.
Molecular consequence: missense variant.
Genome position (GRCh38, 1-based): chrX:154,478,866, C>T on the plus strand (G>A on the coding strand, the complement: LAGE3 is on the minus strand). VCF-style: chrX-154478866-C-T. GRCh37 (hg19) VCF-style: chrX-153707205-C-T.
Other names: c.50G>A (NM_006014.3, NM_006014.4); short protein forms G17D.
Identifiers: ClinVar variation 2056836 (VCV002056836.6), dbSNP rs782788929, ClinGen allele CA10565294.

ClinVar aggregate classification (germline): Conflicting classifications of pathogenicity. Review status: criteria provided, conflicting classifications (1 of 4 stars). 3 submissions from 3 submitters: Uncertain significance (2); Likely benign (1). Last evaluated 2025-12-23.

Conditions:
LAGE3-related disorder. Also called: LAGE3-related condition.

Allele frequency attached by ClinVar (database versions not stated): gnomAD 0.00017; TOPMed 0.00020; gnomAD exomes 0.00023.
gnomAD v4.1: 230 of 1,016,606 alleles (0.023%); highest among the groups gnomAD compares: Non-Finnish European, 0.026%; no homozygotes.

Submissions (3):

Labcorp Genetics (formerly Invitae), Labcorp
Classification: Uncertain significance. Last evaluated: 2025-12-23. Review status: criteria provided, single submitter. Criteria: Invitae Variant Classification Sherloc (09022015). Collection method: clinical testing. Allele origin: germline.
Comment: This sequence change replaces glycine, which is neutral and non-polar, with aspartic acid, which is acidic and polar, at codon 17 of the LAGE3 protein (p.Gly17Asp). This variant is present in population databases (rs782788929, gnomAD 0.08%). This variant has not been reported in the literature in individuals affected with LAGE3-related conditions. ClinVar contains an entry for this variant (Variation ID: 2056836). An algorithm developed to predict the effect of missense changes on protein structure and function outputs the following: PolyPhen-2: "Not Available". The aspartic acid amino acid residue is found in multiple mammalian species, which suggests that this missense change does not adversely affect protein function. In summary, the available evidence is currently insufficient to determine the role of this variant in disease. Therefore, it has been classified as a Variant of Uncertain Significance.

PreventionGenetics, part of Exact Sciences
Classification: Likely benign for LAGE3-related condition. Last evaluated: 2025-02-26. Review status: criteria provided, single submitter. Criteria: ACMG Guidelines, 2015. Collection method: clinical testing. Allele origin: germline.
Comment: This variant is classified as likely benign based on ACMG/AMP sequence variant interpretation guidelines (Richards et al. 2015 PMID: 25741868, with internal and published modifications).

Ambry Genetics
Classification: Uncertain significance. Last evaluated: 2024-01-04. Review status: criteria provided, single submitter. Criteria: Ambry Variant Classification Scheme 2023. Collection method: clinical testing. Allele origin: germline.